The following is an entry in ClinVar:

NM_031935.3(HMCN1):c.7212A>G (p.Val2404=)

Gene: HMCN1 (hemicentin 1; plus strand). Cytogenetic location: 1q31.1.
Variant type: single nucleotide variant.
Coding change: c.7212A>G on transcript NM_031935.3 (MANE Select); coding-DNA position 7212, A replaced by G.
Protein change: p.Val2404=; no amino-acid change (valine 2404 retained).
Molecular consequence: synonymous variant.
Genome position (GRCh38, 1-based): chr1:186,057,301, A>G. VCF-style: chr1-186057301-A-G. GRCh37 (hg19) VCF-style: chr1-186026433-A-G.
Identifiers: ClinVar variation 294182 (VCV000294182.13), dbSNP rs368757349, ClinGen allele CA1292776.

ClinVar aggregate classification (germline): Likely benign. Review status: criteria provided, multiple submitters, no conflicts (2 of 4 stars). 3 submissions from 3 submitters: Likely benign (3). Last evaluated 2025-10-19.

Conditions:
Age related macular degeneration 1 (ARMD1). Also called: MACULOPATHY, AGE-RELATED, 1. Identifiers: MedGen C1864205, MONDO:0011285, OMIM 603075.

Allele frequency attached by ClinVar (database versions not stated): ESP Exome Variant Server 0.00008; gnomAD 0.00009 and 0.00011; ExAC 0.00015; TOPMed 0.00015; gnomAD exomes 0.00019.
gnomAD v4.1: 128 of 1,610,514 alleles (0.0079%); highest among the groups gnomAD compares: Admixed American, 0.09%; no homozygotes.

Submissions (3):

Labcorp Genetics (formerly Invitae), Labcorp
Classification: Likely benign. Last evaluated: 2025-10-19. Review status: criteria provided, single submitter. Criteria: Invitae Variant Classification Sherloc (09022015). Collection method: clinical testing. Allele origin: germline.

Genome-Nilou Lab
Classification: Likely benign for Age related macular degeneration 1. Last evaluated: 2023-04-11. Review status: criteria provided, single submitter. Criteria: ACMG Guidelines, 2015. Collection method: clinical testing. Allele origin: germline. Affected: no.

Illumina Laboratory Services, Illumina
Classification: Likely benign for Age related macular degeneration 1. Last evaluated: 2018-01-13. Review status: criteria provided, single submitter. Criteria: ICSL Variant Classification Criteria 13 December 2019. Collection method: clinical testing. Allele origin: germline.
Comment: This variant was observed in the ICSL laboratory as part of a predisposition screen in an ostensibly healthy population. It had not been previously curated by ICSL or reported in the Human Gene Mutation Database (HGMD: prior to June 1st, 2018), and was therefore a candidate for classification through an automated scoring system. Utilizing variant allele frequency, disease prevalence and penetrance estimates, and inheritance mode, an automated score was calculated to assess if this variant is too frequent to cause the disease. Based on the score and internal cut-off values, a variant classified as likely benign is not then subjected to further curation. The score for this variant resulted in a classification of likely benign for this disease.